The following is an entry in ClinVar:

NM_001184.4(ATR):c.6610A>G (p.Met2204Val)

Gene: ATR (ATR checkpoint kinase; minus strand). Cytogenetic location: 3q23.
Variant type: single nucleotide variant.
Coding change: c.6610A>G on transcript NM_001184.4 (MANE Select); coding-DNA position 6610, A replaced by G.
Protein change: p.Met2204Val; replaces methionine 2204 with valine.
Molecular consequence: missense variant.
Genome position (GRCh38, 1-based): chr3:142,468,011, T>C on the plus strand (A>G on the coding strand, the complement: ATR is on the minus strand). VCF-style: chr3-142468011-T-C. GRCh37 (hg19) VCF-style: chr3-142186853-T-C.
Other names: c.6418A>G, p.Met2140Val (NM_001354579.2); short protein forms M2140V, M2204V.
Identifiers: ClinVar variation 3221256 (VCV003221256.1), dbSNP rs1364520239, ClinGen allele CA354803580.

ClinVar aggregate classification (germline): Uncertain significance (1 of 4 stars; one submission).

Conditions:
Inborn genetic diseases. Identifiers: MedGen C0950123, MeSH D030342.

Allele frequency attached by ClinVar (database versions not stated): gnomAD exomes below 0.00001.
gnomAD v4.1: 2 of 1,613,096 alleles (0.00012%); highest among the groups gnomAD compares: East Asian, 0.0022%; no homozygotes.

Submission:

Ambry Genetics
Classification: Uncertain significance for Inborn genetic diseases. Last evaluated: 2023-11-09. Review status: criteria provided, single submitter. Criteria: Ambry Variant Classification Scheme 2023. Collection method: clinical testing. Allele origin: germline.
Comment: The p.M2204V variant (also known as c.6610A>G), located in coding exon 39 of the ATR gene, results from an A to G substitution at nucleotide position 6610. The methionine at codon 2204 is replaced by valine, an amino acid with highly similar properties. This amino acid position is conserved. In addition, this alteration is predicted to be tolerated by in silico analysis. Since supporting evidence is limited at this time, the clinical significance of this alteration remains unclear.